The following is an entry in ClinVar:

ClinVar aggregate classification (germline): Uncertain significance (1 of 4 stars; one submission).

gnomAD v4.1: 1 of 1,605,288 alleles (0.000062%); highest among the groups gnomAD compares: Non-Finnish European, 0.000085%; no homozygotes.

Submission:

Ambry Genetics
Classification: Uncertain significance. Last evaluated: 2022-08-03. Review status: criteria provided, single submitter. Criteria: Ambry Variant Classification Scheme 2023. Collection method: clinical testing. Allele origin: germline.
Comment: The p.R536G variant (also known as c.1606C>G), located in coding exon 14 of the RAD54L gene, results from a C to G substitution at nucleotide position 1606. The arginine at codon 536 is replaced by glycine, an amino acid with dissimilar properties. This amino acid position is conserved. In addition, this alteration is predicted to be deleterious by in silico analysis. Since supporting evidence is limited at this time, the clinical significance of this alteration remains unclear.

NM_003579.4(RAD54L):c.1606C>G (p.Arg536Gly)

Gene: RAD54L (RAD54 like; plus strand). Cytogenetic location: 1p34.1.
Variant type: single nucleotide variant.
Coding change: c.1606C>G on transcript NM_003579.4 (MANE Select); coding-DNA position 1606, C replaced by G.
Protein change: p.Arg536Gly; replaces arginine 536 with glycine.
Molecular consequence: missense variant.
Genome position (GRCh38, 1-based): chr1:46,273,743, C>G. VCF-style: chr1-46273743-C-G. GRCh37 (hg19) VCF-style: chr1-46739415-C-G.
Other names: c.1606C>G, p.Arg536Gly (NM_001142548.2); c.1066C>G, p.Arg356Gly (NM_001370766.1); short protein forms R356G, R536G.
Identifiers: ClinVar variation 1776288 (VCV001776288.2), dbSNP rs377020524, ClinGen allele CA340182916.
Genomic context (GRCh38, chr1:46,273,743, plus strand): 5'-GTAGTGCTGGTGTCGAATTACACCCAGACTTTGGATCTCTTTGAGAAGCTGTGCCGTGCC[C>G]GAAGGTAGGGAAGATCCTAACCAGGATGCCAAAGGGGGATATACCCCTCCCCTACTGTCT-3'
Protein context (NP_003570.2, residues 526-546): LDLFEKLCRA[Arg536Gly]RYLYVRLDGT